The following is an entry in ClinVar:

ClinVar aggregate classification (germline): Uncertain significance. Review status: criteria provided, multiple submitters, no conflicts (2 of 4 stars). 2 submissions from 2 submitters: Uncertain significance (2). Last evaluated 2026-04-30.

Conditions:
Inborn genetic diseases. Identifiers: MedGen C0950123, MeSH D030342.

Allele frequency attached by ClinVar (database versions not stated): gnomAD exomes 0.00001 and below 0.00001; ExAC 0.00005; gnomAD 0.00006; 1000 Genomes Project 0.00020; TOPMed 0.00005; 1000 Genomes Project 30x 0.00016.
gnomAD v4.1: 15 of 1,549,136 alleles (0.00097%); highest among the groups gnomAD compares: African/African-American, 0.019%; no homozygotes.

Submissions (2):

Ambry Genetics
Classification: Uncertain significance for Inborn genetic diseases. Last evaluated: 2026-04-30. Review status: criteria provided, single submitter. Criteria: Ambry Variant Classification Scheme 2023. Collection method: clinical testing. Allele origin: germline.

Labcorp Genetics (formerly Invitae), Labcorp
Classification: Uncertain significance. Last evaluated: 2022-05-12. Review status: criteria provided, single submitter. Criteria: Invitae Variant Classification Sherloc (09022015). Collection method: clinical testing. Allele origin: germline.
Comment: This sequence change replaces isoleucine, which is neutral and non-polar, with phenylalanine, which is neutral and non-polar, at codon 1136 of the EYS protein (p.Ile1136Phe). This variant is present in population databases (rs564589394, gnomAD 0.02%). This variant has not been reported in the literature in individuals affected with EYS-related conditions. Algorithms developed to predict the effect of missense changes on protein structure and function (SIFT, PolyPhen-2, Align-GVGD) all suggest that this variant is likely to be tolerated. In summary, the available evidence is currently insufficient to determine the role of this variant in disease. Therefore, it has been classified as a Variant of Uncertain Significance.

NM_001142800.2(EYS):c.3406A>T (p.Ile1136Phe)

Gene: EYS (EGF-like photoreceptor maintenance factor; minus strand). Cytogenetic location: 6q12.
Variant type: single nucleotide variant.
Coding change: c.3406A>T on transcript NM_001142800.2 (MANE Select); coding-DNA position 3406, A replaced by T.
Protein change: p.Ile1136Phe; replaces isoleucine 1136 with phenylalanine.
Molecular consequence: missense variant.
Genome position (GRCh38, 1-based): chr6:64,813,415, T>A on the plus strand (A>T on the coding strand, the complement: EYS is on the minus strand). VCF-style: chr6-64813415-T-A. GRCh37 (hg19) VCF-style: chr6-65523308-T-A.
Other names: c.3406A>T, p.Ile1136Phe (NM_001292009.2); c.3406A>T (NM_001142800.1); short protein forms I1136F.
Identifiers: ClinVar variation 1423518 (VCV001423518.4), dbSNP rs564589394, ClinGen allele CA3877170.